The following is an entry in ClinVar:

ClinVar aggregate classification (germline): Likely benign. Review status: criteria provided, multiple submitters, no conflicts (2 of 4 stars). 2 submissions from 2 submitters: Likely benign (2). Last evaluated 2025-07-02.

Allele frequency attached by ClinVar (database versions not stated): ESP Exome Variant Server 0.00015; TOPMed 0.00018.
gnomAD v4.1: 39 of 1,614,022 alleles (0.0024%); highest among the groups gnomAD compares: African/African-American, 0.044%; no homozygotes.

Submissions (2):

Labcorp Genetics (formerly Invitae), Labcorp
Classification: Likely benign. Last evaluated: 2025-07-02. Review status: criteria provided, single submitter. Criteria: Invitae Variant Classification Sherloc (09022015). Collection method: clinical testing. Allele origin: germline.

CeGaT Center for Human Genetics Tuebingen
Classification: Likely benign. Last evaluated: 2024-12-01. Review status: criteria provided, single submitter. Criteria: CeGaT Center For Human Genetics Tuebingen Variant Classification Criteria Version 2. Collection method: clinical testing. Allele origin: germline. Affected: yes. Observed: 1 variant allele.
Comment: LAMB1: BP4, BP7

NM_002291.3(LAMB1):c.3687G>A (p.Glu1229=)

Gene: LAMB1 (laminin subunit beta 1; minus strand). Cytogenetic location: 7q31.1.
Variant type: single nucleotide variant.
Coding change: c.3687G>A on transcript NM_002291.3 (MANE Select); coding-DNA position 3687, G replaced by A.
Protein change: p.Glu1229=; no amino-acid change (glutamic acid 1229 retained).
Molecular consequence: synonymous variant.
Genome position (GRCh38, 1-based): chr7:107,940,063, C>T on the plus strand (G>A on the coding strand, the complement: LAMB1 is on the minus strand). VCF-style: chr7-107940063-C-T. GRCh37 (hg19) VCF-style: chr7-107580508-C-T.
Identifiers: ClinVar variation 764826 (VCV000764826.17), dbSNP rs141706415, ClinGen allele CA4435254.
Genomic context (GRCh38, chr7:107,940,063, plus strand): 5'-GAGATTCCCAATGTTTTTCAGTGGCTCTGCTGCGGGGCTCTGCGCCAGGATGTCTTTTAT[C>T]TCGCTGACTTTCCTCTCCACCGAGTCCACAGTCTCACGGTAAGGCCCGATCACACCACTG-3'
Protein context (NP_002282.2, residues 1219-1239): TVDSVERKVS[Glu1229=]IKDILAQSPA